The following is an entry in ClinVar:

NM_017617.5(NOTCH1):c.1896G>T (p.Gly632=)

Gene: NOTCH1 (notch receptor 1; minus strand). Cytogenetic location: 9q34.3.
Variant type: single nucleotide variant.
Coding change: c.1896G>T on transcript NM_017617.5 (MANE Select); coding-DNA position 1896, G replaced by T.
Protein change: p.Gly632=; no amino-acid change (glycine 632 retained).
Molecular consequence: synonymous variant.
Genome position (GRCh38, 1-based): chr9:136,515,490, C>A on the plus strand (G>T on the coding strand, the complement: NOTCH1 is on the minus strand). VCF-style: chr9-136515490-C-A. GRCh37 (hg19) VCF-style: chr9-139409942-C-A.
Identifiers: ClinVar variation 3360185 (VCV003360185.1).
Genomic context (GRCh38, chr9:136,515,490, plus strand): 5'-TCAGGCCCGCCCTGCCCACTGGCCCCCCGCCGGCCACCCGCCTGGCCGGCCACCTGTGGT[C>A]CCCTTCAGGCAGAAGCAGAGGTAGGCGTTGTCGCGGTCCTGGCAGGTGCCCCCGTGGCGG-3'
Protein context (NP_060087.3, residues 622-642): DNAYLCFCLK[Gly632=]TTGPNCEINL

ClinVar aggregate classification (germline): Uncertain significance (1 of 4 stars; one submission).

Submission:

GeneDx
Classification: Uncertain significance. Last evaluated: 2024-02-27. Review status: criteria provided, single submitter. Criteria: GeneDx Variant Classification Process June 2021. Collection method: clinical testing. Allele origin: germline. Affected: yes.
Comment: Not observed at significant frequency in large population cohorts (gnomAD); In silico analysis supports a deleterious effect on splicing; Has not been previously published as pathogenic or benign to our knowledge